The following is an entry in ClinVar:

ClinVar aggregate classification (germline): Uncertain significance (1 of 4 stars; one submission).

Conditions:
Hereditary cancer-predisposing syndrome. Also called: Hereditary Cancer Syndrome; Tumor predisposition; Hereditary neoplastic syndrome; Neoplastic Syndromes, Hereditary. Identifiers: Orphanet 140162, MedGen C0027672, MeSH D009386, MONDO:0015356.

Submission:

Ambry Genetics
Classification: Uncertain significance for Hereditary cancer-predisposing syndrome. Last evaluated: 2024-09-06. Review status: criteria provided, single submitter. Criteria: Ambry Variant Classification Scheme 2023. Collection method: clinical testing. Allele origin: germline.
Comment: The p.A182D variant (also known as c.545C>A), located in coding exon 3 of the MSH6 gene, results from a C to A substitution at nucleotide position 545. The alanine at codon 182 is replaced by aspartic acid, an amino acid with dissimilar properties. This amino acid position is conserved. In addition, the in silico prediction for this alteration is inconclusive. Based on the available evidence, the clinical significance of this variant remains unclear.

NM_000179.3(MSH6):c.545C>A (p.Ala182Asp)

Gene: MSH6 (mutS homolog 6; plus strand). Cytogenetic location: 2p16.3.
Variant type: single nucleotide variant.
Coding change: c.545C>A on transcript NM_000179.3 (MANE Select); coding-DNA position 545, C replaced by A.
Protein change: p.Ala182Asp; replaces alanine 182 with aspartic acid.
Molecular consequence: missense variant. On other transcripts: 5 prime UTR variant (2), non-coding transcript variant (5), intron variant (8).
Genome position (GRCh38, 1-based): chr2:47,795,981, C>A. VCF-style: chr2-47795981-C-A. GRCh37 (hg19) VCF-style: chr2-48023120-C-A.
Other names: c.-358C>A (NM_001281494.2); c.641C>A, p.Ala214Asp (NM_001406795.1, NM_001406802.1); c.545C>A, p.Ala182Asp (NM_001406796.1, NM_001406798.1, NM_001406800.1 and 5 more transcripts); c.248C>A, p.Ala83Asp (NM_001406797.1, NM_001406801.1, NM_001406805.1 and 10 more transcripts); c.20C>A, p.Ala7Asp (NM_001406799.1, NM_001406806.1, NM_001406807.1); c.467C>A, p.Ala156Asp (NM_001406804.1); c.551C>A, p.Ala184Asp (NM_001406813.1); c.-450C>A (NM_001406814.1); and 3 more; short protein forms A184D, A7D, A214D, A182D, A83D, A126D, A156D.
Identifiers: ClinVar variation 3398912 (VCV003398912.1).